The following is an entry in ClinVar:

NM_017662.5(TRPM6):c.4591C>T (p.Arg1531Cys)

Gene: TRPM6 (transient receptor potential cation channel subfamily M member 6; minus strand). Cytogenetic location: 9q21.13.
Variant type: single nucleotide variant.
Coding change: c.4591C>T on transcript NM_017662.5 (MANE Select); coding-DNA position 4591, C replaced by T.
Protein change: p.Arg1531Cys; replaces arginine 1531 with cysteine.
Molecular consequence: missense variant.
Genome position (GRCh38, 1-based): chr9:74,762,080, G>A on the plus strand (C>T on the coding strand, the complement: TRPM6 is on the minus strand). VCF-style: chr9-74762080-G-A. GRCh37 (hg19) VCF-style: chr9-77376996-G-A.
Other names: c.4576C>T, p.Arg1526Cys (NM_001177310.2, NM_001177311.2); short protein forms R1531C, R1526C.
Identifiers: ClinVar variation 367303 (VCV000367303.12), dbSNP rs141526694, ClinGen allele CA5084087.

ClinVar aggregate classification (germline): Uncertain significance. Review status: criteria provided, multiple submitters, no conflicts (2 of 4 stars). 5 submissions from 5 submitters: Uncertain significance (5). Last evaluated 2024-11-08.

Conditions:
Intestinal hypomagnesemia 1. Also called: HYPOMAGNESEMIA, INTESTINAL, WITH SECONDARY HYPOCALCEMIA; HYPOMAGNESEMIC TETANY. Identifiers: Orphanet 30924, MedGen C1865974, MONDO:0011176, OMIM 602014.

Allele frequency attached by ClinVar (database versions not stated): ESP Exome Variant Server 0.00023; gnomAD exomes 0.00027 and 0.00033; TOPMed 0.00034; ExAC 0.00035; gnomAD 0.00036 and 0.00037.
gnomAD v4.1: 457 of 1,614,062 alleles (0.028%); highest among the groups gnomAD compares: East Asian, 0.069%; 1 homozygote.

Submissions (5):

Blueprint Genetics
Classification: Uncertain significance. Last evaluated: 2024-11-08. Review status: criteria provided, single submitter. Criteria: ACMG Guidelines, 2015. Collection method: clinical testing. Allele origin: germline.

Fulgent Genetics
Classification: Uncertain significance for Intestinal hypomagnesemia 1. Last evaluated: 2024-02-07. Review status: criteria provided, single submitter. Criteria: ACMG Guidelines, 2015. Collection method: clinical testing. Allele origin: germline.

Labcorp Genetics (formerly Invitae), Labcorp
Classification: Uncertain significance. Last evaluated: 2022-08-20. Review status: criteria provided, single submitter. Criteria: Invitae Variant Classification Sherloc (09022015). Collection method: clinical testing. Allele origin: germline.
Comment: This sequence change replaces arginine, which is basic and polar, with cysteine, which is neutral and slightly polar, at codon 1531 of the TRPM6 protein (p.Arg1531Cys). This variant is present in population databases (rs141526694, gnomAD 0.1%). This variant has not been reported in the literature in individuals affected with TRPM6-related conditions. ClinVar contains an entry for this variant (Variation ID: 367303). Algorithms developed to predict the effect of missense changes on protein structure and function output the following: SIFT: "Tolerated"; PolyPhen-2: "Benign"; Align-GVGD: "Class C0". The cysteine amino acid residue is found in multiple mammalian species, which suggests that this missense change does not adversely affect protein function. In summary, the available evidence is currently insufficient to determine the role of this variant in disease. Therefore, it has been classified as a Variant of Uncertain Significance.

Revvity Omics, Revvity
Classification: Uncertain significance for Intestinal hypomagnesemia 1. Last evaluated: 2020-09-26. Review status: criteria provided, single submitter. Criteria: ACMG Guidelines, 2015. Collection method: clinical testing. Allele origin: germline.

Illumina Laboratory Services, Illumina
Classification: Uncertain significance for Intestinal hypomagnesemia 1. Last evaluated: 2018-01-13. Review status: criteria provided, single submitter. Criteria: ICSL Variant Classification Criteria 13 December 2019. Collection method: clinical testing. Allele origin: germline.